The following is an entry in ClinVar:

ClinVar aggregate classification (germline): Uncertain significance. Review status: criteria provided, multiple submitters, no conflicts (2 of 4 stars). 2 submissions from 2 submitters: Uncertain significance (2). Last evaluated 2025-02-20.

Allele frequency attached by ClinVar (database versions not stated): 1000 Genomes Project 30x 0.00016.
gnomAD v4.1: 66 of 1,614,202 alleles (0.0041%); highest among the groups gnomAD compares: Middle Eastern, 0.15%; no homozygotes.

Submissions (2):

Ambry Genetics
Classification: Uncertain significance. Last evaluated: 2025-02-20. Review status: criteria provided, single submitter. Criteria: Ambry Variant Classification Scheme 2023. Collection method: clinical testing. Allele origin: germline.

CeGaT Center for Human Genetics Tuebingen
Classification: Uncertain significance. Last evaluated: 2024-10-01. Review status: criteria provided, single submitter. Criteria: CeGaT Center For Human Genetics Tuebingen Variant Classification Criteria Version 2. Collection method: clinical testing. Allele origin: germline. Affected: yes. Observed: 1 variant allele.
Comment: OXGR1: PM2, BP4

NM_001346194.2(OXGR1):c.419G>C (p.Ser140Thr)

Gene: OXGR1 (oxoglutarate receptor 1; minus strand). Cytogenetic location: 13q32.1.
Variant type: single nucleotide variant.
Coding change: c.419G>C on transcript NM_001346194.2 (MANE Select); coding-DNA position 419, G replaced by C.
Protein change: p.Ser140Thr; replaces serine 140 with threonine.
Molecular consequence: missense variant.
Genome position (GRCh38, 1-based): chr13:96,987,341, C>G on the plus strand (G>C on the coding strand, the complement: OXGR1 is on the minus strand). VCF-style: chr13-96987341-C-G. GRCh37 (hg19) VCF-style: chr13-97639595-C-G.
Other names: c.419G>C, p.Ser140Thr (NM_001346195.2, NM_001346196.2, NM_001346197.2 and 1 more transcripts); short protein forms S140T.
Identifiers: ClinVar variation 2255903 (VCV002255903.17), dbSNP rs772643646, ClinGen allele CA7023734.